The following is an entry in ClinVar:

ClinVar aggregate classification (germline): Likely pathogenic (1 of 4 stars; one submission).

Conditions:
Fetal akinesia deformation sequence 1 (FADS1). Also called: Pena-Shokeir syndrome type I; Fetal akinesia sequence. Identifiers: Orphanet 994, MedGen C1276035, MONDO:0100101, OMIM 208150, HP:0001989.
Congenital myasthenic syndrome 11. Also called: MYASTHENIC SYNDROME, CONGENITAL, Ie; Myasthenic syndrome, congenital, 11, associated with acetylcholine receptor deficiency. Identifiers: Orphanet 590, MedGen C4225367, MONDO:0014588, OMIM 616326.

Submission:

Labcorp Genetics (formerly Invitae), Labcorp
Classification: Likely pathogenic for Congenital myasthenic syndrome 11; Fetal akinesia deformation sequence 1. Last evaluated: 2021-08-27. Review status: criteria provided, single submitter. Criteria: Invitae Variant Classification Sherloc (09022015). Collection method: clinical testing. Allele origin: germline.
Comment: Advanced modeling of protein sequence and biophysical properties (such as structural, functional, and spatial information, amino acid conservation, physicochemical variation, residue mobility, and thermodynamic stability) performed at Invitae indicates that this missense variant is expected to disrupt RAPSN protein function. In summary, the currently available evidence indicates that the variant is pathogenic, but additional data are needed to prove that conclusively. Therefore, this variant has been classified as Likely Pathogenic. This variant disrupts the p.Gly291 amino acid residue in RAPSN. Other variant(s) that disrupt this residue have been determined to be pathogenic (PMID: 12796535). This suggests that this residue is clinically significant, and that variants that disrupt this residue are likely to be disease-causing. This variant has not been reported in the literature in individuals affected with RAPSN-related conditions. This variant is not present in population databases (ExAC no frequency). This sequence change replaces glycine with alanine at codon 291 of the RAPSN protein (p.Gly291Ala). The glycine residue is highly conserved and there is a small physicochemical difference between glycine and alanine.

Literature cited by the submitters: PubMed 12796535.

NM_005055.5(RAPSN):c.872G>C (p.Gly291Ala)

Gene: RAPSN (receptor associated protein of the synapse; minus strand). Cytogenetic location: 11p11.2.
Variant type: single nucleotide variant.
Coding change: c.872G>C on transcript NM_005055.5 (MANE Select); coding-DNA position 872, G replaced by C.
Protein change: p.Gly291Ala; replaces glycine 291 with alanine.
Molecular consequence: missense variant. On other transcripts: intron variant (1).
Genome position (GRCh38, 1-based): chr11:47,441,651, C>G on the plus strand (G>C on the coding strand, the complement: RAPSN is on the minus strand). VCF-style: chr11-47441651-C-G. GRCh37 (hg19) VCF-style: chr11-47463203-C-G.
Other names: c.789+172G>C (NM_032645.5); short protein forms G291A.
Identifiers: ClinVar variation 1477837 (VCV001477837.6), dbSNP rs374604570, ClinGen allele CA380329137.